The following is an entry in ClinVar:

ClinVar aggregate classification (germline): Uncertain significance. Review status: criteria provided, multiple submitters, no conflicts (2 of 4 stars). 3 submissions from 3 submitters: Uncertain significance (3). Last evaluated 2023-12-06.

Conditions:
Wolfram syndrome 1 (WFS1). Identifiers: Orphanet 3463, MedGen C4551693, MONDO:0009101, OMIM 222300.

Allele frequency attached by ClinVar (database versions not stated): gnomAD 0.00001; ExAC 0.00003; ESP Exome Variant Server 0.00008.
gnomAD v4.1: 5 of 1,612,708 alleles (0.00031%); highest among the groups gnomAD compares: Admixed American, 0.0033%; no homozygotes.

Submissions (3):

GeneDx
Classification: Uncertain significance. Last evaluated: 2023-12-06. Review status: criteria provided, single submitter. Criteria: GeneDx Variant Classification Process June 2021. Collection method: clinical testing. Allele origin: germline. Affected: yes.
Comment: In silico analysis supports that this missense variant does not alter protein structure/function; Has not been previously published as pathogenic or benign to our knowledge

Labcorp Genetics (formerly Invitae), Labcorp
Classification: Uncertain significance. Last evaluated: 2023-10-05. Review status: criteria provided, single submitter. Criteria: Invitae Variant Classification Sherloc (09022015). Collection method: clinical testing. Allele origin: germline.
Comment: This sequence change replaces phenylalanine, which is neutral and non-polar, with leucine, which is neutral and non-polar, at codon 725 of the WFS1 protein (p.Phe725Leu). This variant is present in population databases (rs375880230, gnomAD 0.007%). This variant has not been reported in the literature in individuals affected with WFS1-related conditions. ClinVar contains an entry for this variant (Variation ID: 1367945). Advanced modeling of protein sequence and biophysical properties (such as structural, functional, and spatial information, amino acid conservation, physicochemical variation, residue mobility, and thermodynamic stability) performed at Invitae indicates that this missense variant is not expected to disrupt WFS1 protein function. In summary, the available evidence is currently insufficient to determine the role of this variant in disease. Therefore, it has been classified as a Variant of Uncertain Significance.

New York Genome Center
Classification: Uncertain significance for Wolfram syndrome 1. Last evaluated: 2021-08-27. Review status: criteria provided, single submitter. Criteria: NYGC Assertion Criteria 2020. Collection method: clinical testing. Allele origin: germline. Observed: 1 heterozygote. Study: CSER-NYCKidSeq.

NM_006005.3(WFS1):c.2175C>G (p.Phe725Leu)

Gene: WFS1 (wolframin ER transmembrane glycoprotein; plus strand). Cytogenetic location: 4p16.1.
Variant type: single nucleotide variant.
Coding change: c.2175C>G on transcript NM_006005.3 (MANE Select); coding-DNA position 2175, C replaced by G.
Protein change: p.Phe725Leu; replaces phenylalanine 725 with leucine.
Molecular consequence: missense variant.
Genome position (GRCh38, 1-based): chr4:6,301,970, C>G. VCF-style: chr4-6301970-C-G. GRCh37 (hg19) VCF-style: chr4-6303697-C-G.
Other names: c.2175C>G, p.Phe725Leu (NM_001145853.1); short protein forms F725L.
Identifiers: ClinVar variation 1367945 (VCV001367945.9), dbSNP rs375880230, ClinGen allele CA2839635.